The following is an entry in ClinVar:

NM_002497.4(NEK2):c.232A>T (p.Thr78Ser)

Gene: NEK2 (NIMA related kinase 2; minus strand). Cytogenetic location: 1q32.3.
Variant type: single nucleotide variant.
Coding change: c.232A>T on transcript NM_002497.4 (MANE Select); coding-DNA position 232, A replaced by T.
Protein change: p.Thr78Ser; replaces threonine 78 with serine.
Molecular consequence: missense variant.
Genome position (GRCh38, 1-based): chr1:211,674,378, T>A on the plus strand (A>T on the coding strand, the complement: NEK2 is on the minus strand). VCF-style: chr1-211674378-T-A. GRCh37 (hg19) VCF-style: chr1-211847720-T-A.
Other names: c.232A>T, p.Thr78Ser (NM_001204182.2, NM_001204183.2); short protein forms T78S.
Identifiers: ClinVar variation 2806998 (VCV002806998.3), dbSNP rs372274678, ClinGen allele CA36825818.

ClinVar aggregate classification (germline): Uncertain significance (1 of 4 stars; one submission).

Allele frequency attached by ClinVar (database versions not stated): gnomAD 0.00002; TOPMed 0.00003; ESP Exome Variant Server 0.00008.
gnomAD v4.1: 3 of 1,614,028 alleles (0.00019%); highest among the groups gnomAD compares: African/African-American, 0.004%; no homozygotes.

Submission:

Labcorp Genetics (formerly Invitae), Labcorp
Classification: Uncertain significance. Last evaluated: 2023-01-11. Review status: criteria provided, single submitter. Criteria: Invitae Variant Classification Sherloc (09022015). Collection method: clinical testing. Allele origin: germline.
Comment: This sequence change replaces threonine, which is neutral and polar, with serine, which is neutral and polar, at codon 78 of the NEK2 protein (p.Thr78Ser). This variant is not present in population databases (gnomAD no frequency). This variant has not been reported in the literature in individuals affected with NEK2-related conditions. Algorithms developed to predict the effect of missense changes on protein structure and function output the following: SIFT: "Tolerated"; PolyPhen-2: "Benign"; Align-GVGD: "Class C0". The serine amino acid residue is found in multiple mammalian species, which suggests that this missense change does not adversely affect protein function. In summary, the available evidence is currently insufficient to determine the role of this variant in disease. Therefore, it has been classified as a Variant of Uncertain Significance.